The following is an entry in ClinVar:

ClinVar aggregate classification (germline): Benign/Likely benign. Review status: criteria provided, multiple submitters, no conflicts (2 of 4 stars). 3 submissions from 3 submitters: Benign (1); Likely benign (2). Last evaluated 2025-04-07.

Conditions:
Hereditary cancer-predisposing syndrome. Also called: Tumor predisposition; Hereditary Cancer Syndrome; Neoplastic Syndromes, Hereditary; Hereditary neoplastic syndrome. Identifiers: Orphanet 140162, MedGen C0027672, MeSH D009386, MONDO:0015356.
Breast-ovarian cancer, familial, susceptibility to, 3. Also called: RAD51C-Related Breast/Ovarian Cancer. Identifiers: Orphanet 145, MedGen C3150659, MONDO:0013253, OMIM 613399.
Fanconi anemia complementation group O. Also called: RAD51C-Related Fanconi Anemia. Identifiers: Orphanet 84, MedGen C3150653, MONDO:0013248, OMIM 613390.

Allele frequency attached by ClinVar (database versions not stated): TOPMed below 0.00001.

Submissions (3):

Labcorp Genetics (formerly Invitae), Labcorp
Classification: Likely benign for Fanconi anemia complementation group O. Last evaluated: 2025-04-07. Review status: criteria provided, single submitter. Criteria: Invitae Variant Classification Sherloc (09022015). Collection method: clinical testing. Allele origin: germline.

Myriad Genetics, Inc.
Classification: Benign for Breast-ovarian cancer, familial, susceptibility to, 3. Last evaluated: 2025-02-14. Review status: criteria provided, single submitter. Criteria: Myriad Autosomal Dominant, Autosomal Recessive and X-Linked Classification Criteria (2023). Collection method: clinical testing. Allele origin: unknown.
Comment: This variant is considered benign. This variant is a silent/synonymous amino acid change and it is not expected to impact splicing.

Ambry Genetics
Classification: Likely benign for Hereditary cancer-predisposing syndrome. Last evaluated: 2024-01-25. Review status: criteria provided, single submitter. Criteria: Ambry Variant Classification Scheme 2023. Collection method: clinical testing. Allele origin: germline.

NM_058216.3(RAD51C):c.357A>G (p.Lys119=)

Gene: RAD51C (RAD51 paralog C; plus strand). Cytogenetic location: 17q22.
Variant type: single nucleotide variant.
Coding change: c.357A>G on transcript NM_058216.3 (MANE Select); coding-DNA position 357, A replaced by G.
Protein change: p.Lys119=; no amino-acid change (lysine 119 retained).
Molecular consequence: synonymous variant. On other transcripts: non-coding transcript variant (2).
Genome position (GRCh38, 1-based): chr17:58,695,142, A>G. VCF-style: chr17-58695142-A-G. GRCh37 (hg19) VCF-style: chr17-56772503-A-G.
Other names: c.357A>G, p.Lys119= (NM_002876.4).
Identifiers: ClinVar variation 215955 (VCV000215955.13), dbSNP rs863224434, ClinGen allele CA336211.